The following is an entry in ClinVar:

NM_022367.4(SEMA4A):c.1670G>A (p.Arg557Gln)

Gene: SEMA4A (semaphorin 4A; plus strand). Cytogenetic location: 1q22.
Variant type: single nucleotide variant.
Coding change: c.1670G>A on transcript NM_022367.4 (MANE Select); coding-DNA position 1670, G replaced by A.
Protein change: p.Arg557Gln; replaces arginine 557 with glutamine.
Molecular consequence: missense variant.
Genome position (GRCh38, 1-based): chr1:156,175,633, G>A. VCF-style: chr1-156175633-G-A. GRCh37 (hg19) VCF-style: chr1-156145424-G-A.
Other names: c.1670G>A, p.Arg557Gln (NM_001193300.2, NM_001193301.2, NM_001370567.1); c.1274G>A, p.Arg425Gln (NM_001193302.2); c.1373G>A, p.Arg458Gln (NM_001370568.1); c.1163G>A, p.Arg388Gln (NM_001370569.1, NM_001370571.1); short protein forms R557Q, R388Q, R458Q, R425Q.
Identifiers: ClinVar variation 734107 (VCV000734107.15), dbSNP rs137997761, ClinGen allele CA1155431.
Genomic context (GRCh38, chr1:156,175,633, plus strand): 5'-ACATGGAGCGGGGGAACCCAGAGTGGGCATGTGCCAGTGGCCCCATGAGCAGGAGCCTTC[G>A]GCCTCAGAGCCGCCCGCAAATCAGTGAGTGTAGGACCACTCACCAGGGGAGGTGCAAAGG-3'
Protein context (NP_071762.2, residues 547-567): CASGPMSRSL[Arg557Gln]PQSRPQIIKE

ClinVar aggregate classification (germline): Likely benign. Review status: criteria provided, multiple submitters, no conflicts (2 of 4 stars). 6 submissions from 5 submitters: Likely benign (6). Last evaluated 2026-03-17.

Conditions:
SEMA4A-related disorder. Also called: SEMA4A-related condition.
Retinitis pigmentosa 35 (RP35). Identifiers: Orphanet 791, MedGen C1853214, MONDO:0012463, OMIM 610282.
Cone-rod dystrophy 10 (CORD10). Identifiers: Orphanet 1872, MedGen C1846529, MONDO:0012464, OMIM 610283.

Allele frequency attached by ClinVar (database versions not stated): gnomAD exomes 0.00007 and 0.00014; ExAC 0.00022; ESP Exome Variant Server 0.00038; 1000 Genomes Project 0.00080; gnomAD 0.00084 and 0.00088; TOPMed 0.00089; 1000 Genomes Project 30x 0.00125.
gnomAD v4.1: 234 of 1,610,708 alleles (0.015%); highest among the groups gnomAD compares: African/African-American, 0.25%; no homozygotes.

Submissions (6):

PreventionGenetics, part of Exact Sciences
Classification: Likely benign for SEMA4A-related condition. Last evaluated: 2026-03-17. Review status: criteria provided, single submitter. Criteria: ACMG Guidelines, 2015. Collection method: clinical testing. Allele origin: germline.
Comment: This variant is classified as likely benign based on ACMG/AMP sequence variant interpretation guidelines (Richards et al. 2015 PMID: 25741868, with internal and published modifications).

Labcorp Genetics (formerly Invitae), Labcorp
Classification: Likely benign. Last evaluated: 2025-11-10. Review status: criteria provided, single submitter. Criteria: Invitae Variant Classification Sherloc (09022015). Collection method: clinical testing. Allele origin: germline.

Blueprint Genetics
Classification: Likely benign. Last evaluated: 2024-11-13. Review status: criteria provided, single submitter. Criteria: ACMG Guidelines, 2015. Collection method: clinical testing. Allele origin: germline.

Genome-Nilou Lab
Classification: Likely benign for Cone-rod dystrophy 10. Last evaluated: 2023-04-11. Review status: criteria provided, single submitter. Criteria: ACMG Guidelines, 2015. Collection method: clinical testing. Allele origin: germline. Affected: no.

Genome-Nilou Lab
Classification: Likely benign for Retinitis pigmentosa 35. Last evaluated: 2023-04-11. Review status: criteria provided, single submitter. Criteria: ACMG Guidelines, 2015. Collection method: clinical testing. Allele origin: germline. Affected: no.

GeneDx
Classification: Likely benign. Last evaluated: 2021-02-09. Review status: criteria provided, single submitter. Criteria: GeneDx Variant Classification Process June 2021. Collection method: clinical testing. Allele origin: germline. Affected: yes.
Comment: In silico analysis supports that this missense variant does not alter protein structure/function